The following is an entry in ClinVar:

NM_002941.4(ROBO1):c.1045+3A>G

Gene: ROBO1 (roundabout guidance receptor 1; minus strand). Cytogenetic location: 3p12.3.
Variant type: single nucleotide variant.
Coding change: c.1045+3A>G on transcript NM_002941.4 (MANE Select); 3 bases into the intron after coding-DNA position 1045, A replaced by G.
Molecular consequence: intron variant.
Genome position (GRCh38, 1-based): chr3:78,714,394, T>C on the plus strand (A>G on the coding strand, the complement: ROBO1 is on the minus strand). VCF-style: chr3-78714394-T-C. GRCh37 (hg19) VCF-style: chr3-78763544-T-C.
Other names: c.928+3A>G (NM_001145845.2, NM_133631.4).
Identifiers: ClinVar variation 2993439 (VCV002993439.3), dbSNP rs921424119, ClinGen allele CA77547588.

ClinVar aggregate classification (germline): Uncertain significance (1 of 4 stars; one submission).

Allele frequency attached by ClinVar (database versions not stated): gnomAD 0.00004; TOPMed 0.00006; gnomAD exomes below 0.00001.
gnomAD v4.1: 9 of 1,607,534 alleles (0.00056%); highest among the groups gnomAD compares: African/African-American, 0.0094%; no homozygotes.

Submission:

Labcorp Genetics (formerly Invitae), Labcorp
Classification: Uncertain significance. Last evaluated: 2025-06-12. Review status: criteria provided, single submitter. Criteria: Invitae Variant Classification Sherloc (09022015). Collection method: clinical testing. Allele origin: germline.
Comment: This sequence change falls in intron 8 of the ROBO1 gene. It does not directly change the encoded amino acid sequence of the ROBO1 protein. It affects a nucleotide within the consensus splice site. This variant is present in population databases (no rsID available, gnomAD 0.007%). This variant has not been reported in the literature in individuals affected with ROBO1-related conditions. ClinVar contains an entry for this variant (Variation ID: 2993439). Variants that disrupt the consensus splice site are a relatively common cause of aberrant splicing (PMID: 17576681, 9536098). Algorithms developed to predict the effect of sequence changes on RNA splicing suggest that this variant is not likely to affect RNA splicing. In summary, the available evidence is currently insufficient to determine the role of this variant in disease. Therefore, it has been classified as a Variant of Uncertain Significance.

Literature cited by the submitters: PubMed 17576681; PubMed 9536098.